The following is an entry in ClinVar:

ClinVar aggregate classification (germline): Benign/Likely benign. Review status: criteria provided, multiple submitters, no conflicts (2 of 4 stars). 6 submissions from 6 submitters: Benign (3); Likely benign (3). Last evaluated 2026-01-09.

Conditions:
Paroxysmal nonkinesigenic dyskinesia. Also called: Paroxysmal non-kinesigenic dyskinesia. Identifiers: Orphanet 98810, MedGen C1869117, MONDO:0700088.
Paroxysmal nonkinesigenic dyskinesia 1 (PNKD1). Also called: MOUNT-REBACK SYNDROME; Familial Paroxysmal Nonkinesigenic Dyskinesia; PAROXYSMAL DYSTONIC CHOREOATHETOSIS; Nonkinesigenic choreoathetosis; Familial paroxysmal choreoathetosis; PxMD-PNKD. Identifiers: Orphanet 98810, MedGen C4551506, MONDO:0700089, OMIM 118800, MONDO:0007326.

Allele frequency attached by ClinVar (database versions not stated): TOPMed 0.00043; 1000 Genomes Project 30x 0.00062; 1000 Genomes Project 0.00080; ESP Exome Variant Server 0.00008; gnomAD 0.00035.
gnomAD v4.1: 200 of 1,610,452 alleles (0.012%); highest among the groups gnomAD compares: African/African-American, 0.097%; 1 homozygote.

Submissions (6):

Labcorp Genetics (formerly Invitae), Labcorp
Classification: Benign for Paroxysmal nonkinesigenic dyskinesia. Last evaluated: 2026-01-09. Review status: criteria provided, single submitter. Criteria: Invitae Variant Classification Sherloc (09022015). Collection method: clinical testing. Allele origin: germline.

Blueprint Genetics
Classification: Likely benign. Last evaluated: 2024-07-05. Review status: criteria provided, single submitter. Criteria: ACMG Guidelines, 2015. Collection method: clinical testing. Allele origin: germline.

GeneDx
Classification: Benign. Last evaluated: 2021-08-27. Review status: criteria provided, single submitter. Criteria: GeneDx Variant Classification Process June 2021. Collection method: clinical testing. Allele origin: germline. Affected: yes.

Illumina Laboratory Services, Illumina
Classification: Benign for Paroxysmal nonkinesigenic dyskinesia 1. Last evaluated: 2018-01-12. Review status: criteria provided, single submitter. Criteria: ICSL Variant Classification Criteria 13 December 2019. Collection method: clinical testing. Allele origin: germline.
Comment: This variant was observed in the ICSL laboratory as part of a predisposition screen in an ostensibly healthy population. It had not been previously curated by ICSL or reported in the Human Gene Mutation Database (HGMD: prior to June 1st, 2018), and was therefore a candidate for classification through an automated scoring system. Utilizing variant allele frequency, disease prevalence and penetrance estimates, and inheritance mode, an automated score was calculated to assess if this variant is too frequent to cause the disease. Based on the score and internal cut-off values, a variant classified as benign is not then subjected to further curation. The score for this variant resulted in a classification of benign for this disease.

Breakthrough Genomics
Classification: Likely benign. Review status: criteria provided, single submitter. Criteria: ACMG Guidelines, 2015. Collection method: not provided. Allele origin: germline. Inheritance: Autosomal dominant inheritance. Affected: yes.

PreventionGenetics, part of Exact Sciences
Classification: Likely benign. Review status: criteria provided, single submitter. Criteria: ACMG Guidelines, 2015. Collection method: clinical testing. Allele origin: germline.

NM_015488.5(PNKD):c.781+12C>T

Genes: PNKD (PNKD metallo-beta-lactamase domain containing; plus strand), CATIP-AS2 (CATIP antisense RNA 2; minus strand). Cytogenetic location: 2q35.
Variant type: single nucleotide variant.
Coding change: c.781+12C>T on transcript NM_015488.5 (MANE Select); 12 bases into the intron after coding-DNA position 781, C replaced by T.
Molecular consequence: intron variant.
Genome position (GRCh38, 1-based): chr2:218,342,156, C>T. VCF-style: chr2-218342156-C-T. GRCh37 (hg19) VCF-style: chr2-219206879-C-T.
Other names: c.709+12C>T (NM_022572.4).
Identifiers: ClinVar variation 260663 (VCV000260663.19), dbSNP rs370963150, ClinGen allele CA2104081.